The following is an entry in ClinVar:

NM_030631.4(SLC25A21):c.532C>T (p.Arg178Ter)

Gene: SLC25A21 (solute carrier family 25 member 21; minus strand). Cytogenetic location: 14q13.3.
Variant type: single nucleotide variant.
Coding change: c.532C>T on transcript NM_030631.4 (MANE Select); coding-DNA position 532, C replaced by T.
Protein change: p.Arg178Ter; replaces arginine 178 with a stop codon.
Molecular consequence: nonsense.
Genome position (GRCh38, 1-based): chr14:36,711,389, G>A on the plus strand (C>T on the coding strand, the complement: SLC25A21 is on the minus strand). VCF-style: chr14-36711389-G-A. GRCh37 (hg19) VCF-style: chr14-37180594-G-A.
Other names: c.532C>T, p.Arg178Ter (NM_001171170.2); short protein forms R178*.
Identifiers: ClinVar variation 1687162 (VCV001687162.2), dbSNP rs200963388, ClinGen allele CA7159264.

ClinVar aggregate classification (germline): Conflicting classifications of pathogenicity. Review status: criteria provided, conflicting classifications (1 of 4 stars). 2 submissions from 2 submitters: Pathogenic (1); Uncertain significance (1). Last evaluated 2025-09-03.

Conditions:
Mitochondrial DNA depletion syndrome 18. Identifiers: MedGen C5394140, MONDO:0032932, OMIM 618811.

Allele frequency attached by ClinVar (database versions not stated): gnomAD 0.00003 and 0.00004; TOPMed 0.00003; gnomAD exomes 0.00004 and 0.00005; ExAC 0.00006; ESP Exome Variant Server 0.00008.
gnomAD v4.1: 60 of 1,613,898 alleles (0.0037%); highest among the groups gnomAD compares: Admixed American, 0.013%; no homozygotes.

Submissions (2):

Labcorp Genetics (formerly Invitae), Labcorp
Classification: Uncertain significance. Last evaluated: 2025-09-03. Review status: criteria provided, single submitter. Criteria: Invitae Variant Classification Sherloc (09022015). Collection method: clinical testing. Allele origin: germline.
Comment: This sequence change creates a premature translational stop signal (p.Arg178*) in the SLC25A21 gene. It is expected to result in an absent or disrupted protein product. However, the current clinical and genetic evidence is not sufficient to establish whether loss-of-function variants in SLC25A21 cause disease. This variant is present in population databases (rs200963388, gnomAD 0.02%). This variant has not been reported in the literature in individuals affected with SLC25A21-related conditions. ClinVar contains an entry for this variant (Variation ID: 1687162). In summary, the available evidence is currently insufficient to determine the role of this variant in disease. Therefore, it has been classified as a Variant of Uncertain Significance.

3billion
Classification: Pathogenic for Mitochondrial DNA depletion syndrome 18. Last evaluated: 2022-05-22. Review status: criteria provided, single submitter. Criteria: ACMG Guidelines, 2015. Collection method: clinical testing. Allele origin: germline. Affected: yes. Observed: 1 homozygote.
Comment: The variant is observed at an extremely low frequency in the gnomAD v2.1.1 dataset (total allele frequency: 0.005%). Stop-gained (nonsense): predicted to result in a loss or disruption of normal protein function through nonsense-mediated decay (NMD) or protein truncation. Multiple pathogenic variants are reported downstream of the variant. Patient's phenotype is considered compatiblie with this disorder. Therefore, this variant is classified as likely pathogenic according to the recommendation of ACMG/AMP guideline.